The following is an entry in ClinVar:

ClinVar aggregate classification (germline): Uncertain significance (1 of 4 stars; one submission).

Allele frequency attached by ClinVar (database versions not stated): gnomAD 0.00001; gnomAD exomes 0.00001; TOPMed 0.00001; ExAC 0.00002.
gnomAD v4.1: 11 of 1,613,224 alleles (0.00068%); highest among the groups gnomAD compares: Admixed American, 0.005%; no homozygotes.

Submission:

Labcorp Genetics (formerly Invitae), Labcorp
Classification: Uncertain significance. Last evaluated: 2023-06-14. Review status: criteria provided, single submitter. Criteria: Invitae Variant Classification Sherloc (09022015). Collection method: clinical testing. Allele origin: germline.
Comment: In summary, the available evidence is currently insufficient to determine the role of this variant in disease. Therefore, it has been classified as a Variant of Uncertain Significance. Advanced modeling of protein sequence and biophysical properties (such as structural, functional, and spatial information, amino acid conservation, physicochemical variation, residue mobility, and thermodynamic stability) performed at Invitae indicates that this missense variant is not expected to disrupt MCM5 protein function. This variant has not been reported in the literature in individuals affected with MCM5-related conditions. This variant is present in population databases (rs779755915, gnomAD 0.006%). This sequence change replaces arginine, which is basic and polar, with glutamine, which is neutral and polar, at codon 290 of the MCM5 protein (p.Arg290Gln).

NM_006739.4(MCM5):c.869G>A (p.Arg290Gln)

Gene: MCM5 (minichromosome maintenance complex component 5; plus strand). Cytogenetic location: 22q12.3.
Variant type: single nucleotide variant.
Coding change: c.869G>A on transcript NM_006739.4 (MANE Select); coding-DNA position 869, G replaced by A.
Protein change: p.Arg290Gln; replaces arginine 290 with glutamine.
Molecular consequence: missense variant.
Genome position (GRCh38, 1-based): chr22:35,410,860, G>A. VCF-style: chr22-35410860-G-A. GRCh37 (hg19) VCF-style: chr22-35806853-G-A.
Other names: short protein forms R290Q.
Identifiers: ClinVar variation 2875033 (VCV002875033.3), dbSNP rs779755915, ClinGen allele CA10205189.